The following is an entry in ClinVar:

ClinVar aggregate classification (germline): Conflicting classifications of pathogenicity. Review status: criteria provided, conflicting classifications (1 of 4 stars). 8 submissions from 8 submitters: Uncertain significance (1); Likely benign (5). 2 of the submissions do not count toward it. Last evaluated 2026-01-26.

Conditions:
SLC12A3-related disorder. Also called: SLC12A3-related condition.
Familial hypokalemia-hypomagnesemia (GTLMNS). Also called: HYPOMAGNESEMIA-HYPOKALEMIA, PRIMARY RENOTUBULAR, WITH HYPOCALCIURIA; POTASSIUM AND MAGNESIUM DEPLETION; gitelman syndrome. Identifiers: Orphanet 358, MedGen C0268450, MONDO:0009904, OMIM 263800.

Allele frequency attached by ClinVar (database versions not stated): 1000 Genomes Project 30x 0.00016; 1000 Genomes Project 0.00020; TOPMed 0.00091; gnomAD exomes 0.00094 and 0.00126; gnomAD 0.00095 and 0.00098; ExAC 0.00103; ESP Exome Variant Server 0.00154.
gnomAD v4.1: 1,973 of 1,613,192 alleles (0.12%); highest among the groups gnomAD compares: Non-Finnish European, 0.15%; 2 homozygotes.

Submissions (8):

Labcorp Genetics (formerly Invitae), Labcorp
Classification: Likely benign. Last evaluated: 2026-01-26. Review status: criteria provided, single submitter. Criteria: Invitae Variant Classification Sherloc (09022015). Collection method: clinical testing. Allele origin: germline.

CeGaT Center for Human Genetics Tuebingen
Classification: Likely benign. Last evaluated: 2025-11-01. Review status: criteria provided, single submitter. Criteria: CeGaT Center For Human Genetics Tuebingen Variant Classification Criteria Version 2. Collection method: clinical testing. Allele origin: germline. Affected: yes. Observed: 3 variant alleles.
Comment: SLC12A3: BP4, BP7

Blueprint Genetics
Classification: Likely benign. Last evaluated: 2024-11-06. Review status: criteria provided, single submitter. Criteria: ACMG Guidelines, 2015. Collection method: clinical testing. Allele origin: germline.

Mayo Clinic Laboratories, Mayo Clinic
Classification: Likely benign. Last evaluated: 2024-01-12. Review status: criteria provided, single submitter. Criteria: ACMG Guidelines, 2015. Collection method: clinical testing. Allele origin: germline. Observed: 3 variant alleles.
Comment: BP4, BP7

Genome-Nilou Lab
Classification: Likely benign for Familial hypokalemia-hypomagnesemia. Last evaluated: 2021-07-15. Review status: criteria provided, single submitter. Criteria: ACMG Guidelines, 2015. Collection method: clinical testing. Allele origin: germline. Affected: no.

Illumina Laboratory Services, Illumina
Classification: Uncertain significance for Familial hypokalemia-hypomagnesemia. Last evaluated: 2018-01-12. Review status: criteria provided, single submitter. Criteria: ICSL Variant Classification Criteria 13 December 2019. Collection method: clinical testing. Allele origin: germline.

PreventionGenetics, part of Exact Sciences
Classification: Likely benign for SLC12A3-related condition. Last evaluated: 2024-04-02. Review status: no assertion criteria provided. Collection method: clinical testing. Allele origin: germline. Not counted in ClinVar's aggregate classification.
Comment: This variant is classified as likely benign based on ACMG/AMP sequence variant interpretation guidelines (Richards et al. 2015 PMID: 25741868, with internal and published modifications).

Natera, Inc.
Classification: Likely benign for Gitelman syndrome. Last evaluated: 2020-06-03. Review status: no assertion criteria provided. Collection method: clinical testing. Allele origin: germline. Not counted in ClinVar's aggregate classification.

NM_001126108.2(SLC12A3):c.1284C>T (p.Thr428=)

Gene: SLC12A3 (solute carrier family 12 member 3; plus strand). Cytogenetic location: 16q13.
Variant type: single nucleotide variant.
Coding change: c.1284C>T on transcript NM_001126108.2 (MANE Select); coding-DNA position 1284, C replaced by T.
Protein change: p.Thr428=; no amino-acid change (threonine 428 retained).
Molecular consequence: synonymous variant.
Genome position (GRCh38, 1-based): chr16:56,879,176, C>T. VCF-style: chr16-56879176-C-T. GRCh37 (hg19) VCF-style: chr16-56913088-C-T.
Other names: p.Thr428=; c.1284C>T, p.Thr428= (NM_000339.3); c.1281C>T, p.Thr427= (NM_001126107.2).
Identifiers: ClinVar variation 319900 (VCV000319900.45), dbSNP rs34216426, ClinGen allele CA8069411.